The following is an entry in ClinVar:

ClinVar aggregate classification (germline): Likely benign. Review status: criteria provided, multiple submitters, no conflicts (2 of 4 stars). 6 submissions from 6 submitters: Likely benign (5). 1 of the submissions does not count toward it. Last evaluated 2026-01-26.

Conditions:
MYH7-related disorder. Also called: MYH7-related condition; MYH7-related disease; MYH7-related disorders.
Cardiovascular phenotype. Identifiers: MedGen CN230736.
Hypertrophic cardiomyopathy. Also called: HYPERTROPHIC MYOCARDIOPATHY. Identifiers: Orphanet 217569, MedGen C0007194, MeSH D002312, MONDO:0005045, HP:0001639.
Cardiomyopathy (CMYO). Also called: Cardiomyopathies. Identifiers: Orphanet 167848, MedGen C0878544, MONDO:0004994, HP:0001638. Inheritance: Various modes of inheritance.

Allele frequency attached by ClinVar (database versions not stated): gnomAD exomes below 0.00001 and 0.00001; ExAC 0.00001; gnomAD 0.00001 and 0.00003; TOPMed 0.00003.

Submissions (6):

Labcorp Genetics (formerly Invitae), Labcorp
Classification: Likely benign for Hypertrophic cardiomyopathy. Last evaluated: 2026-01-26. Review status: criteria provided, single submitter. Criteria: Invitae Variant Classification Sherloc (09022015). Collection method: clinical testing. Allele origin: germline.

CeGaT Center for Human Genetics Tuebingen
Classification: Likely benign. Last evaluated: 2025-02-01. Review status: criteria provided, single submitter. Criteria: CeGaT Center For Human Genetics Tuebingen Variant Classification Criteria Version 2. Collection method: clinical testing. Allele origin: germline. Affected: yes. Observed: 1 variant allele.
Comment: MYH7: BP4, BP7

All of Us Research Program, National Institutes of Health
Classification: Likely benign for Cardiomyopathy. Last evaluated: 2024-01-03. Review status: criteria provided, single submitter. Criteria: ACMG Guidelines, 2015. Collection method: clinical testing. Allele origin: germline. Inheritance: Autosomal dominant inheritance. Observed: 4 variant alleles, 4 heterozygotes.
Comment: This study involves interpretation of variants in research participants for the purpose of population health screening. Participant phenotype was not available at the time of variant classification. Additional details can be found in publication PMID: 35346344, PMCID: PMC8962531

Ambry Genetics
Classification: Likely benign for Cardiovascular phenotype. Last evaluated: 2020-07-31. Review status: criteria provided, single submitter. Criteria: Ambry Variant Classification Scheme 2023. Collection method: clinical testing. Allele origin: germline.

Color Diagnostics, LLC DBA Color Health
Classification: Likely benign for Cardiomyopathy. Last evaluated: 2018-12-04. Review status: criteria provided, single submitter. Criteria: ACMG Guidelines, 2015. Collection method: clinical testing. Allele origin: germline.

PreventionGenetics, part of Exact Sciences
Classification: Likely benign for MYH7-related condition. Last evaluated: 2020-04-08. Review status: no assertion criteria provided. Collection method: clinical testing. Allele origin: germline. Not counted in ClinVar's aggregate classification.
Comment: This variant is classified as likely benign based on ACMG/AMP sequence variant interpretation guidelines (Richards et al. 2015 PMID: 25741868, with internal and published modifications).

NM_000257.4(MYH7):c.2148G>C (p.Gly716=)

Gene: MYH7 (myosin heavy chain 7; minus strand). Cytogenetic location: 14q11.2.
Variant type: single nucleotide variant.
Coding change: c.2148G>C on transcript NM_000257.4 (MANE Select); coding-DNA position 2148, G replaced by C.
Protein change: p.Gly716=; no amino-acid change (glycine 716 retained).
Molecular consequence: synonymous variant.
Genome position (GRCh38, 1-based): chr14:23,425,978, C>G on the plus strand (G>C on the coding strand, the complement: MYH7 is on the minus strand). VCF-style: chr14-23425978-C-G. GRCh37 (hg19) VCF-style: chr14-23895187-C-G.
Identifiers: ClinVar variation 698457 (VCV000698457.30), dbSNP rs755760309, ClinGen allele CA031292.